The following is an entry in ClinVar:

ClinVar aggregate classification (germline): Uncertain significance. Review status: criteria provided, multiple submitters, no conflicts (2 of 4 stars). 3 submissions from 3 submitters: Uncertain significance (3). Last evaluated 2022-12-14.

Conditions:
Hand-foot-genital syndrome (HFG). Also called: HFU syndrome; HFG syndrome; Hand-Foot-Uterus Syndrome. Identifiers: Orphanet 2438, MedGen C1841679, MONDO:0007698, OMIM 140000.
Guttmacher syndrome. Identifiers: Orphanet 2957, MedGen C1867801, MONDO:0008301, OMIM 176305.

Allele frequency attached by ClinVar (database versions not stated): gnomAD exomes 0.00002; gnomAD 0.00005 and 0.00006; ExAC 0.00023.

Submissions (3):

Department of Pathology and Laboratory Medicine, Sinai Health System
Classification: Uncertain significance for Hand-foot-genital syndrome; Guttmacher syndrome. Last evaluated: 2022-12-14. Review status: criteria provided, single submitter. Criteria: ACMG Guidelines, 2015. Collection method: research. Allele origin: germline.

Fulgent Genetics
Classification: Uncertain significance for Hand-foot-genital syndrome; Guttmacher syndrome. Last evaluated: 2022-01-18. Review status: criteria provided, single submitter. Criteria: ACMG Guidelines, 2015. Collection method: clinical testing. Allele origin: unknown.

GeneDx
Classification: Uncertain significance. Last evaluated: 2021-04-19. Review status: criteria provided, single submitter. Criteria: GeneDx Variant Classification Process June 2021. Collection method: clinical testing. Allele origin: germline. Affected: yes.
Comment: In silico analysis supports that this missense variant does not alter protein structure/function; Has not been previously published as pathogenic or benign to our knowledge

NM_000522.5(HOXA13):c.499G>T (p.Ala167Ser)

Genes: HOXA13 (homeobox A13; minus strand), LOC107126288 (NUP98-HOXA13 recombination region; plus strand). Cytogenetic location: 7p15.2.
Variant type: single nucleotide variant.
Coding change: c.499G>T on transcript NM_000522.5 (MANE Select); coding-DNA position 499, G replaced by T.
Protein change: p.Ala167Ser; replaces alanine 167 with serine.
Molecular consequence: missense variant.
Genome position (GRCh38, 1-based): chr7:27,199,579, C>A on the plus strand (G>T on the coding strand, the complement: HOXA13 is on the minus strand). VCF-style: chr7-27199579-C-A. GRCh37 (hg19) VCF-style: chr7-27239198-C-A.
Other names: short protein forms A167S.
Identifiers: ClinVar variation 1306139 (VCV001306139.4), dbSNP rs752314022, ClinGen allele CA4198682.